The following is an entry in ClinVar:

NM_001042492.3(NF1):c.1767A>T (p.Gln589His)

Gene: NF1 (neurofibromin 1; plus strand). Cytogenetic location: 17q11.2.
Variant type: single nucleotide variant.
Coding change: c.1767A>T on transcript NM_001042492.3 (MANE Select); coding-DNA position 1767, A replaced by T.
Protein change: p.Gln589His; replaces glutamine 589 with histidine.
Molecular consequence: missense variant.
Genome position (GRCh38, 1-based): chr17:31,223,489, A>T. VCF-style: chr17-31223489-A-T. GRCh37 (hg19) VCF-style: chr17-29550507-A-T.
Other names: c.1767A>T, p.Gln589His (NM_000267.4); short protein forms Q589H.
Identifiers: ClinVar variation 1779697 (VCV001779697.5), dbSNP rs2144016279, ClinGen allele CA399004223.

ClinVar aggregate classification (germline): Uncertain significance. Review status: criteria provided, multiple submitters, no conflicts (2 of 4 stars). 2 submissions from 2 submitters: Uncertain significance (2). Last evaluated 2024-01-12.

Conditions:
Neurofibromatosis, type 1 (NF1). Also called: VON RECKLINGHAUSEN DISEASE; NEUROFIBROMATOSIS, TYPE I, SOMATIC; Peripheral type neurofibromatosis; Neurofibromatosis, type I. Identifiers: Orphanet 636, MedGen C0027831, MONDO:0018975, OMIM 162200. Disease mechanism: loss of function.
Hereditary cancer-predisposing syndrome. Also called: Tumor predisposition; Neoplastic Syndromes, Hereditary; Hereditary Cancer Syndrome; Hereditary neoplastic syndrome. Identifiers: Orphanet 140162, MedGen C0027672, MeSH D009386, MONDO:0015356.
Cardiovascular phenotype. Identifiers: MedGen CN230736.

Submissions (2):

Labcorp Genetics (formerly Invitae), Labcorp
Classification: Uncertain significance for Neurofibromatosis, type 1. Last evaluated: 2024-01-12. Review status: criteria provided, single submitter. Criteria: Invitae Variant Classification Sherloc (09022015). Collection method: clinical testing. Allele origin: germline.
Comment: This sequence change replaces glutamine, which is neutral and polar, with histidine, which is basic and polar, at codon 589 of the NF1 protein (p.Gln589His). This variant is not present in population databases (gnomAD no frequency). This variant has not been reported in the literature in individuals affected with NF1-related conditions. ClinVar contains an entry for this variant (Variation ID: 1779697). Advanced modeling of protein sequence and biophysical properties (such as structural, functional, and spatial information, amino acid conservation, physicochemical variation, residue mobility, and thermodynamic stability) performed at Invitae indicates that this missense variant is not expected to disrupt NF1 protein function with a negative predictive value of 95%. In summary, the available evidence is currently insufficient to determine the role of this variant in disease. Therefore, it has been classified as a Variant of Uncertain Significance.

Ambry Genetics
Classification: Uncertain significance for Cardiovascular phenotype; Hereditary cancer-predisposing syndrome. Last evaluated: 2021-09-13. Review status: criteria provided, single submitter. Criteria: Ambry Variant Classification Scheme 2023. Collection method: clinical testing. Allele origin: germline.
Comment: The p.Q589H variant (also known as c.1767A>T), located in coding exon 16 of the NF1 gene, results from an A to T substitution at nucleotide position 1767. The glutamine at codon 589 is replaced by histidine, an amino acid with highly similar properties. This amino acid position is highly conserved in available vertebrate species. In addition, the in silico prediction for this alteration is inconclusive. Since supporting evidence is limited at this time, the clinical significance of this alteration remains unclear.